The following is an entry in ClinVar:

NM_014423.4(AFF4):c.3425C>T (p.Thr1142Ile)

Gene: AFF4 (ALF transcription elongation factor 4; minus strand). Cytogenetic location: 5q31.1.
Variant type: single nucleotide variant.
Coding change: c.3425C>T on transcript NM_014423.4 (MANE Select); coding-DNA position 3425, C replaced by T.
Protein change: p.Thr1142Ile; replaces threonine 1142 with isoleucine.
Molecular consequence: missense variant.
Genome position (GRCh38, 1-based): chr5:132,881,126, G>A on the plus strand (C>T on the coding strand, the complement: AFF4 is on the minus strand). VCF-style: chr5-132881126-G-A. GRCh37 (hg19) VCF-style: chr5-132216818-G-A.
Other names: short protein forms T1142I.
Identifiers: ClinVar variation 2994269 (VCV002994269.3), dbSNP rs2532422515, ClinGen allele CA360965473.

ClinVar aggregate classification (germline): Uncertain significance (1 of 4 stars; one submission).

Conditions:
Cognitive impairment - coarse facies - heart defects - obesity - pulmonary involvement - short stature - skeletal dysplasia syndrome. Also called: COGNITIVE IMPAIRMENT, COARSE FACIES, HEART DEFECTS, OBESITY, PULMONARY INVOLVEMENT, SHORT STATURE, AND SKELETAL DYSPLASIA; Chops syndrome; AFF4-Related CHOPS Syndrome. Identifiers: Orphanet 444077, MedGen C4085597, MONDO:0014609, OMIM 616368.

Submission:

Labcorp Genetics (formerly Invitae), Labcorp
Classification: Uncertain significance for Cognitive impairment - coarse facies - heart defects - obesity - pulmonary involvement - short stature - skeletal dysplasia syndrome. Last evaluated: 2023-11-10. Review status: criteria provided, single submitter. Criteria: Invitae Variant Classification Sherloc (09022015). Collection method: clinical testing. Allele origin: germline.
Comment: This sequence change replaces threonine, which is neutral and polar, with isoleucine, which is neutral and non-polar, at codon 1142 of the AFF4 protein (p.Thr1142Ile). This variant is not present in population databases (gnomAD no frequency). This variant has not been reported in the literature in individuals affected with AFF4-related conditions. Advanced modeling of protein sequence and biophysical properties (such as structural, functional, and spatial information, amino acid conservation, physicochemical variation, residue mobility, and thermodynamic stability) has been performed at Invitae for this missense variant, however the output from this modeling did not meet the statistical confidence thresholds required to predict the impact of this variant on AFF4 protein function. In summary, the available evidence is currently insufficient to determine the role of this variant in disease. Therefore, it has been classified as a Variant of Uncertain Significance.